The following is an entry in ClinVar:

NM_024649.5(BBS1):c.47+7G>C

Gene: BBS1 (Bardet-Biedl syndrome 1; plus strand). Cytogenetic location: 11q13.2.
Variant type: single nucleotide variant.
Coding change: c.47+7G>C on transcript NM_024649.5 (MANE Select); 7 bases into the intron after coding-DNA position 47, G replaced by C.
Molecular consequence: intron variant.
Genome position (GRCh38, 1-based): chr11:66,510,713, G>C. VCF-style: chr11-66510713-G-C. GRCh37 (hg19) VCF-style: chr11-66278184-G-C.
Other names: c.47+7G>C (NM_024649.4).
Identifiers: ClinVar variation 1155873 (VCV001155873.10), dbSNP rs370342126, ClinGen allele CA6123195.

ClinVar aggregate classification (germline): Likely benign. Review status: criteria provided, single submitter (1 of 4 stars). 2 submissions from 2 submitters: Likely benign (1). 1 of the submissions does not count toward it. Last evaluated 2025-11-30.

Conditions:
BBS1-related disorder. Also called: BBS1-related condition.
Bardet-Biedl syndrome (BBS). Identifiers: Orphanet 110, MedGen C0752166, MONDO:0015229.

Allele frequency attached by ClinVar (database versions not stated): gnomAD 0.00002; ESP Exome Variant Server 0.00008.
gnomAD v4.1: 9 of 1,614,026 alleles (0.00056%); highest among the groups gnomAD compares: African/African-American, 0.012%; no homozygotes.

Submissions (2):

Labcorp Genetics (formerly Invitae), Labcorp
Classification: Likely benign for Bardet-Biedl syndrome. Last evaluated: 2025-11-30. Review status: criteria provided, single submitter. Criteria: Invitae Variant Classification Sherloc (09022015). Collection method: clinical testing. Allele origin: germline.

PreventionGenetics, part of Exact Sciences
Classification: Likely benign for BBS1-related condition. Last evaluated: 2019-10-09. Review status: no assertion criteria provided. Collection method: clinical testing. Allele origin: germline. Not counted in ClinVar's aggregate classification.
Comment: This variant is classified as likely benign based on ACMG/AMP sequence variant interpretation guidelines (Richards et al. 2015 PMID: 25741868, with internal and published modifications).